The following is an entry in ClinVar:

NM_003242.6(TGFBR2):c.1628A>G (p.His543Arg)

Gene: TGFBR2 (transforming growth factor beta receptor 2; plus strand). Cytogenetic location: 3p24.1.
Variant type: single nucleotide variant.
Coding change: c.1628A>G on transcript NM_003242.6 (MANE Select); coding-DNA position 1628, A replaced by G.
Protein change: p.His543Arg; replaces histidine 543 with arginine.
Molecular consequence: missense variant.
Genome position (GRCh38, 1-based): chr3:30,691,523, A>G. VCF-style: chr3-30691523-A-G. GRCh37 (hg19) VCF-style: chr3-30733015-A-G.
Other names: c.1655A>G, p.His552Arg (NM_001407128.1); c.1631A>G, p.His544Arg (NM_001407129.1); c.1625A>G, p.His542Arg (NM_001407130.1); c.1523A>G, p.His508Arg (NM_001407132.1, NM_001407133.1, NM_001407134.1 and 2 more transcripts); c.1343A>G, p.His448Arg (NM_001407137.1); c.1268A>G, p.His423Arg (NM_001407138.1); c.1703A>G, p.His568Arg (NM_001024847.3); c.1811A>G, p.His604Arg (NM_001407126.1); and 2 more; short protein forms H253R, H423R, H448R, H508R, H542R, H543R, H544R, H552R.
Identifiers: ClinVar variation 4855884 (VCV004855884.1).
Genomic context (GRCh38, chr3:30,691,523, plus strand): 5'-ACGACCCAGAGGCCCGTCTCACAGCCCAGTGTGTGGCAGAACGCTTCAGTGAGCTGGAGC[A>G]TCTGGACAGGCTCTCGGGGAGGAGCTGCTCGGAGGAGAAGATTCCTGAAGACGGCTCCCT-3'
Protein context (NP_003233.4, residues 533-553): CVAERFSELE[His543Arg]LDRLSGRSCS

ClinVar aggregate classification (germline): Uncertain significance (1 of 4 stars; one submission).

Conditions:
Loeys-Dietz syndrome 2 (LDS2). Also called: AORTIC ANEURYSM, FAMILIAL THORACIC 3; MARFAN SYNDROME, TYPE II; TGFBR2-Related Loeys-Dietz Syndrome; Marfan syndrome, type 2 (formerly); Marfan Syndrome type 2; Marfan like connective tissue disorder. Identifiers: Orphanet 284973, Orphanet 558, MedGen C2674574, MONDO:0012427, OMIM 610168.

gnomAD v4.1: 1 of 1,614,116 alleles (0.000062%); highest among the groups gnomAD compares: Admixed American, 0.0017%; no homozygotes.

Submission:

3billion
Classification: Uncertain significance for Loeys-Dietz syndrome 2. Last evaluated: 2025-10-16. Review status: criteria provided, single submitter. Criteria: ACMG Guidelines, 2015. Collection method: clinical testing. Allele origin: germline. Affected: yes.
Comment: The variant is observed at an extremely low frequency in the gnomAD v4.1.0 dataset (total allele frequency: <0.001%). Predicted Consequence/Location: Missense variant. Missense changes are a common disease-causing mechanism. In silico tool prediction suggests damaging effect of the variant on gene or gene product [3Cnet: 0.89 (> 0.75, sensitivity 0.96 and precision 0.92)]. Different missense changes at the same codon have been reported as of uncertain significance (ClinVar ID: VCV002774584). Therefore, this variant is classified as VUS according to the recommendation of ACMG/AMP guideline.